The following is an entry in ClinVar:

NM_001370466.1(NOD2):c.2294C>G (p.Pro765Arg)

Gene: NOD2 (nucleotide binding oligomerization domain containing 2; plus strand). Cytogenetic location: 16q12.1.
Variant type: single nucleotide variant.
Coding change: c.2294C>G on transcript NM_001370466.1 (MANE Select); coding-DNA position 2294, C replaced by G.
Protein change: p.Pro765Arg; replaces proline 765 with arginine.
Molecular consequence: missense variant. On other transcripts: non-coding transcript variant (1).
Genome position (GRCh38, 1-based): chr16:50,712,286, C>G. VCF-style: chr16-50712286-C-G. GRCh37 (hg19) VCF-style: chr16-50746197-C-G.
Other names: c.2294C>G, p.Pro765Arg (NM_001293557.2); c.2375C>G, p.Pro792Arg (NM_022162.3); short protein forms P765R, P792R.
Identifiers: ClinVar variation 837712 (VCV000837712.10), dbSNP rs1964571054, ClinGen allele CA395872016.
Genomic context (GRCh38, chr16:50,712,286, plus strand): 5'-GCAGTGTGGGCCCCACTGAGTGTGCTGCCCTGGCCTTTGTGCTGCAGCACCTCCGGCGGC[C>G]CGTGGCCCTGCAGCTGGACTACAACTCTGTGGGTGACATTGGCGTGGAGCAGCTGCTGCC-3'
Protein context (NP_001357395.1, residues 755-775): LAFVLQHLRR[Pro765Arg]VALQLDYNSV

ClinVar aggregate classification (germline): Uncertain significance (1 of 4 stars; one submission).

Conditions:
Regional enteritis. Also called: Enteritis, Granulomatous. Identifiers: MedGen C0678202, MeSH D003424.
Blau syndrome (BLAUS). Also called: GRANULOMATOSIS, FAMILIAL JUVENILE SYSTEMIC; GRANULOMATOSIS, FAMILIAL, BLAU TYPE; GRANULOMATOUS INFLAMMATORY ARTHRITIS, DERMATITIS, AND UVEITIS, FAMILIAL; JABS SYNDROME; ARTHROCUTANEOUVEAL GRANULOMATOSIS. Identifiers: Orphanet 90340, MedGen C5201146, MONDO:0008523, OMIM 186580.

Submission:

Labcorp Genetics (formerly Invitae), Labcorp
Classification: Uncertain significance for Regional enteritis; Blau syndrome. Last evaluated: 2019-05-01. Review status: criteria provided, single submitter. Criteria: Invitae Variant Classification Sherloc (09022015). Collection method: clinical testing. Allele origin: germline.
Comment: In summary, the available evidence is currently insufficient to determine the role of this variant in disease. Therefore, it has been classified as a Variant of Uncertain Significance. Algorithms developed to predict the effect of missense changes on protein structure and function are either unavailable or do not agree on the potential impact of this missense change (SIFT: "Deleterious"; PolyPhen-2: "Probably Damaging"; Align-GVGD: "Class C0"). This variant has not been reported in the literature in individuals with NOD2-related conditions. This variant is not present in population databases (ExAC no frequency). This sequence change replaces proline with arginine at codon 792 of the NOD2 protein (p.Pro792Arg). The proline residue is highly conserved and there is a moderate physicochemical difference between proline and arginine.